The following is an entry in ClinVar:

ClinVar aggregate classification (germline): Pathogenic (1 of 4 stars; one submission).

Conditions:
Primary ciliary dyskinesia. Also called: Ciliary dyskinesia. Identifiers: Orphanet 244, MedGen C0008780, MONDO:0016575, HP:0012265.

Submission:

Labcorp Genetics (formerly Invitae), Labcorp
Classification: Pathogenic for Primary ciliary dyskinesia. Last evaluated: 2019-04-18. Review status: criteria provided, single submitter. Criteria: Invitae Variant Classification Sherloc (09022015). Collection method: clinical testing. Allele origin: germline.
Comment: This sequence change results in a premature translational stop signal in the CCNO gene (p.Gln249Argfs*20). While this is not anticipated to result in nonsense mediated decay, it is expected to disrupt the last 102 amino acids of the CCNO protein. This variant is not present in population databases (ExAC no frequency). This variant has not been reported in the literature in individuals with a CCNO-related disease. This variant disrupts the C-terminus of the CCNO protein. Other variant(s) that disrupt this region (p.Gln321*) have been determined to be pathogenic (PMID: 24747639, 26139845). This suggests that variants that disrupt this region of the protein are likely to be causative of disease. For these reasons, this variant has been classified as Pathogenic.

Literature cited by the submitters: PubMed 24747639; PubMed 26139845.

NM_021147.5(CCNO):c.746del (p.Gln249fs)

Gene: CCNO (cyclin O; minus strand). Cytogenetic location: 5q11.2.
Variant type: Deletion.
Coding change: c.746del on transcript NM_021147.5 (MANE Select); coding-DNA position 746, one base deleted (A; older notation c.746delA).
Protein change: p.Gln249fs; shifts the reading frame from glutamine 249.
Molecular consequence: frameshift variant. On other transcripts: non-coding transcript variant (3).
Genome position (GRCh38, 1-based): chr5:55,231,682, T deleted on the plus strand (A on the coding strand, the reverse complement: CCNO is on the minus strand). VCF-style (leftmost placement, unchanged base first): chr5-55231681-CT-C. GRCh37 (hg19) VCF-style: chr5-54527509-CT-C.
Other names: short protein forms Q249fs.
Identifiers: ClinVar variation 839570 (VCV000839570.8), dbSNP rs1745583820, ClinGen allele CA916082710.